The following is an entry in ClinVar:

NM_006231.4(POLE):c.1651G>A (p.Val551Ile)

Gene: POLE (DNA polymerase epsilon, catalytic subunit; minus strand). Cytogenetic location: 12q24.33.
Variant type: single nucleotide variant.
Coding change: c.1651G>A on transcript NM_006231.4 (MANE Select); coding-DNA position 1651, G replaced by A.
Protein change: p.Val551Ile; replaces valine 551 with isoleucine.
Molecular consequence: missense variant.
Genome position (GRCh38, 1-based): chr12:132,672,662, C>T on the plus strand (G>A on the coding strand, the complement: POLE is on the minus strand). VCF-style: chr12-132672662-C-T. GRCh37 (hg19) VCF-style: chr12-133249248-C-T.
Other names: c.1651G>A (NM_006231.2); short protein forms V551I.
Identifiers: ClinVar variation 961469 (VCV000961469.7), dbSNP rs2042956447, ClinGen allele CA387356579.
Genomic context (GRCh38, chr12:132,672,662, plus strand): 5'-TCTGAATCCCAGGGAAGAAGCACACCATCCTAAACCGGCAAGGGATATCGCTGCGGAAAA[C>T]CCCAGACTCGAGGGCCTCCACGTGGCCCCCGACGTAGGTCTCAGAGTCCAGCACGTGTCC-3'
Protein context (NP_006222.2, residues 541-561): GGHVEALESG[Val551Ile]FRSDIPCRFR

ClinVar aggregate classification (germline): Uncertain significance. Review status: criteria provided, multiple submitters, no conflicts (2 of 4 stars). 3 submissions from 3 submitters: Uncertain significance (3). Last evaluated 2024-12-09.

Conditions:
Colorectal cancer, susceptibility to, 12 (CRCS12). Also called: COLORECTAL CANCER, SUSCEPTIBILITY TO, ON CHROMOSOME 12q24. Identifiers: Orphanet 220460, MedGen C3554460, MONDO:0014038, OMIM 615083.
Facial dysmorphism-immunodeficiency-livedo-short stature syndrome. Also called: FILS syndrome; Facial dysmorphism, immunodeficiency, livedo, and short stature. Identifiers: Orphanet 352712, MedGen C3554576, MONDO:0014058, OMIM 615139.
Intrauterine growth retardation, metaphyseal dysplasia, adrenal hypoplasia congenita, genital anomalies, and immunodeficiency. Also called: IMAGEI SYNDROME. Identifiers: MedGen C5193036, MONDO:0032684, OMIM 618336.
Hereditary cancer-predisposing syndrome. Also called: Tumor predisposition; Hereditary neoplastic syndrome; Hereditary Cancer Syndrome; Neoplastic Syndromes, Hereditary. Identifiers: Orphanet 140162, MedGen C0027672, MeSH D009386, MONDO:0015356.

Submissions (3):

Ambry Genetics
Classification: Uncertain significance for Hereditary cancer-predisposing syndrome. Last evaluated: 2024-12-09. Review status: criteria provided, single submitter. Criteria: Ambry Variant Classification Scheme 2023. Collection method: clinical testing. Allele origin: germline.
Comment: The p.V551I variant (also known as c.1651G>A), located in coding exon 15 of the POLE gene, results from a G to A substitution at nucleotide position 1651. The valine at codon 551 is replaced by isoleucine, an amino acid with highly similar properties. This amino acid position is highly conserved in available vertebrate species. In addition, this alteration is predicted to be tolerated by in silico analysis. Based on the available evidence, the clinical significance of this variant remains unclear.

Fulgent Genetics
Classification: Uncertain significance for Colorectal cancer, susceptibility to, 12; Facial dysmorphism-immunodeficiency-livedo-short stature syndrome; Intrauterine growth retardation, metaphyseal dysplasia, adrenal hypoplasia congenita, genital anomalies, and immunodeficiency. Last evaluated: 2024-02-08. Review status: criteria provided, single submitter. Criteria: ACMG Guidelines, 2015. Collection method: clinical testing. Allele origin: germline.

Labcorp Genetics (formerly Invitae), Labcorp
Classification: Uncertain significance. Last evaluated: 2023-09-26. Review status: criteria provided, single submitter. Criteria: Invitae Variant Classification Sherloc (09022015). Collection method: clinical testing. Allele origin: germline.
Comment: This sequence change replaces valine, which is neutral and non-polar, with isoleucine, which is neutral and non-polar, at codon 551 of the POLE protein (p.Val551Ile). This variant is not present in population databases (gnomAD no frequency). This variant has not been reported in the literature in individuals affected with POLE-related conditions. ClinVar contains an entry for this variant (Variation ID: 961469). Advanced modeling of protein sequence and biophysical properties (such as structural, functional, and spatial information, amino acid conservation, physicochemical variation, residue mobility, and thermodynamic stability) performed at Invitae indicates that this missense variant is not expected to disrupt POLE protein function. In summary, the available evidence is currently insufficient to determine the role of this variant in disease. Therefore, it has been classified as a Variant of Uncertain Significance.